The following is an entry in ClinVar:

ClinVar aggregate classification (germline): Pathogenic. Review status: reviewed by expert panel (3 of 4 stars). 2 submissions from 2 submitters: Pathogenic (1). 1 of the submissions does not count toward it. Last evaluated 2023-12-09.

Conditions:
Hereditary thrombocytopenia and hematological cancer predisposition syndrome associated with RUNX1. Also called: PLATELET DISORDER, ASPIRIN-LIKE; RUNX1 Familial Platelet Disorder with Associated Myeloid Malignancies; Familial Platelet Disorder with Propensity to Acute Myelogenous Leukemia; Familial thrombocytopenia with propensity to acute myelogenous leukemia. Identifiers: Orphanet 71290, MedGen C1832388, MeSH C563324, MONDO:0100083, OMIM 601399.
Hereditary thrombocytopenia and hematologic cancer predisposition syndrome. Identifiers: Orphanet 71290, MedGen CN281654, MONDO:0011071.

Submissions (2):

ClinGen Myeloid Malignancy Variant Curation Expert Panel
Classification: Pathogenic for Hereditary thrombocytopenia and hematologic cancer predisposition syndrome. Last evaluated: 2023-12-09. Review status: reviewed by expert panel. Criteria: ClinGen MyeloMalig ACMG Specifications v2. Collection method: curation. Allele origin: germline. Inheritance: Autosomal dominant inheritance.
Comment: NM_001754.5(RUNX1):c.777dup (p.Asn260Ter) is a nonsense variant that leads to a loss of function. This variant is predicted to undergo nonsense mediated decay in a gene in which loss-of-function is an established mechanism (nonsense c.98-c.916 as per VCEP specifications) (PVS1). This variant is completely absent from all population databases with at least 20x coverage for RUNX1 (PM2_supporting). This variant is a nonsense/frameshift variants that is downstream of c.98 (PM5_Supporting). In summary, this variant meets criteria to be classified as pathogenic. ACMG/AMP criteria applied, as specified by the Myeloid Malignancy Variant Curation Expert Panel for RUNX1: PVS1, PM2_supporting, PM5_supporting.

Labcorp Genetics (formerly Invitae), Labcorp
Classification: Pathogenic for Hereditary thrombocytopenia and hematological cancer predisposition syndrome associated with RUNX1. Last evaluated: 2022-09-01. Review status: criteria provided, single submitter. Criteria: Invitae Variant Classification Sherloc (09022015). Collection method: clinical testing. Allele origin: germline. Not counted in ClinVar's aggregate classification.
Comment: For these reasons, this variant has been classified as Pathogenic. ClinVar contains an entry for this variant (Variation ID: 1071785). This variant has not been reported in the literature in individuals affected with RUNX1-related conditions. This variant is not present in population databases (gnomAD no frequency). This sequence change creates a premature translational stop signal (p.Asn260*) in the RUNX1 gene. It is expected to result in an absent or disrupted protein product. Loss-of-function variants in RUNX1 are known to be pathogenic (PMID: 18723428, 24100448).

Literature cited by the submitters: PubMed 18723428 (cited by Labcorp Genetics (formerly Invitae), Labcorp); PubMed 24100448 (cited by Labcorp Genetics (formerly Invitae), Labcorp).

NM_001754.5(RUNX1):c.777dup (p.Asn260Ter)

Gene: RUNX1 (RUNX family transcription factor 1; minus strand). Cytogenetic location: 21q22.12.
Variant type: Duplication.
Coding change: c.777dup on transcript NM_001754.5 (MANE Select); coding-DNA position 777, one base duplicated (T; older notation c.777dupT).
Protein change: p.Asn260Ter; replaces asparagine 260 with a stop codon.
Molecular consequence: nonsense.
Genome position (GRCh38, 1-based): chr21:34,834,438, A duplicated on the plus strand (T on the coding strand, the reverse complement: RUNX1 is on the minus strand); the first of 3 consecutive A bases (chr21:34,834,438-34,834,440); duplicating any one gives the same sequence. VCF-style (leftmost placement, unchanged base first): chr21-34834437-T-TA. GRCh37 (hg19) VCF-style: chr21-36206734-T-TA.
Other names: NM_001754.5(RUNX1):c.777dup; p.Asn260Ter; c.696dup, p.Asn233Ter (NM_001001890.3, NM_001122607.2); short protein forms N233*, N260*.
Identifiers: ClinVar variation 1071785 (VCV001071785.9), dbSNP rs2146074811, ClinGen allele CA891842383.